The following is an entry in ClinVar:

ClinVar aggregate classification (germline): Uncertain significance (1 of 4 stars; one submission).

Submission:

Labcorp Genetics (formerly Invitae), Labcorp
Classification: Uncertain significance. Last evaluated: 2023-01-28. Review status: criteria provided, single submitter. Criteria: Invitae Variant Classification Sherloc (09022015). Collection method: clinical testing. Allele origin: germline.
Comment: Advanced modeling of protein sequence and biophysical properties (such as structural, functional, and spatial information, amino acid conservation, physicochemical variation, residue mobility, and thermodynamic stability) performed at Invitae indicates that this missense variant is expected to disrupt SCN3A protein function. This sequence change replaces serine, which is neutral and polar, with arginine, which is basic and polar, at codon 988 of the SCN3A protein (p.Ser988Arg). This variant is not present in population databases (gnomAD no frequency). This variant has not been reported in the literature in individuals affected with SCN3A-related conditions. In summary, the available evidence is currently insufficient to determine the role of this variant in disease. Therefore, it has been classified as a Variant of Uncertain Significance.

NM_006922.4(SCN3A):c.2964C>G (p.Ser988Arg)

Gene: SCN3A (sodium voltage-gated channel alpha subunit 3; minus strand). Cytogenetic location: 2q24.3.
Variant type: single nucleotide variant.
Coding change: c.2964C>G on transcript NM_006922.4 (MANE Select); coding-DNA position 2964, C replaced by G.
Protein change: p.Ser988Arg; replaces serine 988 with arginine.
Molecular consequence: missense variant.
Genome position (GRCh38, 1-based): chr2:165,128,060, G>C on the plus strand (C>G on the coding strand, the complement: SCN3A is on the minus strand). VCF-style: chr2-165128060-G-C. GRCh37 (hg19) VCF-style: chr2-165984570-G-C.
Other names: c.2817C>G, p.Ser939Arg (NM_001081676.2, NM_001081677.2); short protein forms S939R, S988R.
Identifiers: ClinVar variation 2832604 (VCV002832604.3), dbSNP rs1687099918, ClinGen allele CA349041783.